The following is an entry in ClinVar:

NM_000535.7(PMS2):c.1795G>C (p.Asp599His)

Gene: PMS2 (PMS1 homolog 2, mismatch repair system component; minus strand). Cytogenetic location: 7p22.1.
Variant type: single nucleotide variant.
Coding change: c.1795G>C on transcript NM_000535.7 (MANE Select); coding-DNA position 1795, G replaced by C.
Protein change: p.Asp599His; replaces aspartic acid 599 with histidine.
Molecular consequence: missense variant. On other transcripts: non-coding transcript variant (1).
Genome position (GRCh38, 1-based): chr7:5,986,970, C>G on the plus strand (G>C on the coding strand, the complement: PMS2 is on the minus strand). VCF-style: chr7-5986970-C-G. GRCh37 (hg19) VCF-style: chr7-6026601-C-G.
Other names: c.1390G>C, p.Asp464His (NM_001018040.1, NM_001322003.2, NM_001322004.2 and 17 more transcripts); c.1639G>C, p.Asp547His (NM_001322006.2, NM_001406870.1); c.1477G>C, p.Asp493His (NM_001322007.2, NM_001322008.2, NM_001406876.1 and 2 more transcripts); c.1234G>C, p.Asp412His (NM_001322010.2, NM_001406906.1, NM_001406907.1); c.862G>C, p.Asp288His (NM_001322011.2, NM_001322012.2); c.1222G>C, p.Asp408His (NM_001322013.2, NM_001406909.1); c.1795G>C, p.Asp599His (NM_001322014.2, NM_001406871.1, NM_001406872.1); c.1486G>C, p.Asp496His (NM_001322015.2, NM_001406875.1, NM_001406877.1 and 5 more transcripts); and 12 more; short protein forms D444H, D493H, D599H, D342H, D428H, D441H, D491H, D563H.
Identifiers: ClinVar variation 2013140 (VCV002013140.4), dbSNP rs1380574195, ClinGen allele CA366739816.

ClinVar aggregate classification (germline): Uncertain significance (1 of 4 stars; one submission).

Conditions:
Hereditary nonpolyposis colorectal neoplasms. Identifiers: MedGen C0009405, MeSH D003123.

Submission:

Labcorp Genetics (formerly Invitae), Labcorp
Classification: Uncertain significance for Hereditary nonpolyposis colorectal neoplasms. Last evaluated: 2022-07-02. Review status: criteria provided, single submitter. Criteria: Invitae Variant Classification Sherloc (09022015). Collection method: clinical testing. Allele origin: germline.
Comment: In summary, the available evidence is currently insufficient to determine the role of this variant in disease. Therefore, it has been classified as a Variant of Uncertain Significance. This sequence change replaces aspartic acid, which is acidic and polar, with histidine, which is basic and polar, at codon 599 of the PMS2 protein (p.Asp599His). This variant is not present in population databases (gnomAD no frequency). This variant has not been reported in the literature in individuals affected with PMS2-related conditions. Advanced modeling of protein sequence and biophysical properties (such as structural, functional, and spatial information, amino acid conservation, physicochemical variation, residue mobility, and thermodynamic stability) performed at Invitae indicates that this missense variant is not expected to disrupt PMS2 protein function.